The following is an entry in ClinVar:

ClinVar aggregate classification (germline): Uncertain significance (1 of 4 stars; one submission).

Conditions:
Myopathy, myofibrillar, 9, with early respiratory failure (MFM9). Also called: Myopathy, distal, with early respiratory failure, autosomal dominant; EDSTROM MYOPATHY; MYOPATHY, PROXIMAL, WITH EARLY RESPIRATORY MUSCLE INVOLVEMENT; Hereditary myopathy with early respiratory failure. Identifiers: Orphanet 178464, Orphanet 34521, MedGen C1863599, MONDO:0011362, OMIM 603689.

Allele frequency attached by ClinVar (database versions not stated): ExAC 0.00001; gnomAD exomes 0.00001 and 0.00004; TOPMed 0.00001.
gnomAD v4.1: 6 of 1,612,850 alleles (0.00037%); highest among the groups gnomAD compares: East Asian, 0.013%; no homozygotes.

Submission:

Baylor Genetics
Classification: Uncertain significance for Myopathy, myofibrillar, 9, with early respiratory failure. Last evaluated: 2018-01-24. Review status: criteria provided, single submitter. Criteria: ACMG Guidelines, 2015. Collection method: clinical testing. Allele origin: unknown. Affected: yes.
Comment: This variant was determined to be of uncertain significance according to ACMG Guidelines, 2015 [PMID:25741868].

NM_133379.5(TTN):c.14111T>A (p.Val4704Asp)

Genes: TTN (titin; minus strand), LOC126806432 (CDK7 strongly-dependent group 2 enhancer GRCh37_chr2:179611985-179613184; plus strand). Cytogenetic location: 2q31.2.
Variant type: single nucleotide variant.
Coding change: c.14111T>A on transcript NM_133379.5; coding-DNA position 14111, T replaced by A.
Protein change: p.Val4704Asp; replaces valine 4704 with aspartic acid.
Molecular consequence: missense variant. On other transcripts: intron variant (6).
Genome position (GRCh38, 1-based): chr2:178,748,289, A>T on the plus strand (T>A on the coding strand, the complement: TTN is on the minus strand). VCF-style: chr2-178748289-A-T. GRCh37 (hg19) VCF-style: chr2-179613016-A-T.
Other names: c.10222+4835T>A (NM_003319.4); c.10798+4835T>A (NM_133437.4); c.10597+4835T>A (NM_133432.3); c.10360+4835T>A (NM_133378.4, NM_001256850.1); c.11311+4835T>A (NM_001267550.2); short protein forms V4704D.
Identifiers: ClinVar variation 1033053 (VCV001033053.1), dbSNP rs777880511, ClinGen allele CA2003300.